The following is an entry in ClinVar:

NM_000718.4(CACNA1B):c.1024A>G (p.Ile342Val)

Gene: CACNA1B (calcium voltage-gated channel subunit alpha1 B; plus strand). Cytogenetic location: 9q34.3.
Variant type: single nucleotide variant.
Coding change: c.1024A>G on transcript NM_000718.4 (MANE Select); coding-DNA position 1024, A replaced by G.
Protein change: p.Ile342Val; replaces isoleucine 342 with valine.
Molecular consequence: missense variant.
Genome position (GRCh38, 1-based): chr9:137,952,331, A>G. VCF-style: chr9-137952331-A-G. GRCh37 (hg19) VCF-style: chr9-140846783-A-G.
Other names: c.1024A>G, p.Ile342Val (NM_001243812.2); short protein forms I342V.
Identifiers: ClinVar variation 1959464 (VCV001959464.5), dbSNP rs748642696, ClinGen allele CA5376020.
Genomic context (GRCh38, chr9:137,952,331, plus strand): 5'-CAGACAAACGATGCGGCCGGCAACACCTGGAACTGGCTCTACTTCATCCCTCTCATCATC[A>G]TCGGCTCCTTCTTCATGCTCAACCTGGTGCTGGGCGTGCTCTCGGGGTGAGAGACCATGT-3'
Protein context (NP_000709.1, residues 332-352): NWLYFIPLII[Ile342Val]GSFFMLNLVL

ClinVar aggregate classification (germline): Uncertain significance (1 of 4 stars; one submission).

Allele frequency attached by ClinVar (database versions not stated): gnomAD 0.00001; gnomAD exomes 0.00001; ExAC 0.00002.
gnomAD v4.1: 6 of 1,612,876 alleles (0.00037%); highest among the groups gnomAD compares: Admixed American, 0.0083%; no homozygotes.

Submission:

Labcorp Genetics (formerly Invitae), Labcorp
Classification: Uncertain significance. Last evaluated: 2022-08-22. Review status: criteria provided, single submitter. Criteria: Invitae Variant Classification Sherloc (09022015). Collection method: clinical testing. Allele origin: germline.
Comment: This sequence change replaces isoleucine, which is neutral and non-polar, with valine, which is neutral and non-polar, at codon 342 of the CACNA1B protein (p.Ile342Val). This variant is present in population databases (rs748642696, gnomAD 0.009%). In summary, the available evidence is currently insufficient to determine the role of this variant in disease. Therefore, it has been classified as a Variant of Uncertain Significance. Advanced modeling of protein sequence and biophysical properties (such as structural, functional, and spatial information, amino acid conservation, physicochemical variation, residue mobility, and thermodynamic stability) performed at Invitae indicates that this missense variant is expected to disrupt CACNA1B protein function. This variant has not been reported in the literature in individuals affected with CACNA1B-related conditions.